The following is an entry in ClinVar:

NM_006904.7(PRKDC):c.11662G>A (p.Val3888Met)

Gene: PRKDC (protein kinase, DNA-activated, catalytic subunit; minus strand). Cytogenetic location: 8q11.21.
Variant type: single nucleotide variant.
Coding change: c.11662G>A on transcript NM_006904.7 (MANE Select); coding-DNA position 11662, G replaced by A.
Protein change: p.Val3888Met; replaces valine 3888 with methionine.
Molecular consequence: missense variant.
Genome position (GRCh38, 1-based): chr8:47,778,650, C>T on the plus strand (G>A on the coding strand, the complement: PRKDC is on the minus strand). VCF-style: chr8-47778650-C-T. GRCh37 (hg19) VCF-style: chr8-48691211-C-T.
Other names: c.11569G>A, p.Val3857Met (NM_001081640.2); short protein forms V3888M, V3857M.
Identifiers: ClinVar variation 3674435 (VCV003674435.1).

ClinVar aggregate classification (germline): Uncertain significance (1 of 4 stars; one submission).

Conditions:
Severe combined immunodeficiency due to DNA-PKcs deficiency. Also called: IMMUNODEFICIENCY 26 WITH NEUROLOGIC ABNORMALITIES; Immunodeficiency 26 with or without neurologic abnormalities. Identifiers: Orphanet 317425, MedGen C4014833, MONDO:0014423, OMIM 615966.

gnomAD v4.1: 10 of 1,613,130 alleles (0.00062%); highest among the groups gnomAD compares: African/African-American, 0.004%; no homozygotes.

Submission:

Labcorp Genetics (formerly Invitae), Labcorp
Classification: Uncertain significance for Severe combined immunodeficiency due to DNA-PKcs deficiency. Last evaluated: 2024-12-31. Review status: criteria provided, single submitter. Criteria: Invitae Variant Classification Sherloc (09022015). Collection method: clinical testing. Allele origin: germline.
Comment: This sequence change replaces valine, which is neutral and non-polar, with methionine, which is neutral and non-polar, at codon 3888 of the PRKDC protein (p.Val3888Met). The frequency data for this variant in the population databases is considered unreliable, as metrics indicate poor data quality at this position in the gnomAD database. This variant has not been reported in the literature in individuals affected with PRKDC-related conditions. Invitae Evidence Modeling of protein sequence and biophysical properties (such as structural, functional, and spatial information, amino acid conservation, physicochemical variation, residue mobility, and thermodynamic stability) indicates that this missense variant is not expected to disrupt PRKDC protein function with a negative predictive value of 80%. In summary, the available evidence is currently insufficient to determine the role of this variant in disease. Therefore, it has been classified as a Variant of Uncertain Significance.